The following is an entry in ClinVar:

NM_004928.3(CFAP410):c.642+10G>A

Gene: CFAP410 (cilia and flagella associated protein 410; minus strand). Cytogenetic location: 21q22.3.
Variant type: single nucleotide variant.
Coding change: c.642+10G>A on transcript NM_004928.3 (MANE Select); 10 bases into the intron after coding-DNA position 642, G replaced by A.
Molecular consequence: intron variant. On other transcripts: missense variant (1).
Genome position (GRCh38, 1-based): chr21:44,330,813, C>T on the plus strand (G>A on the coding strand, the complement: CFAP410 is on the minus strand). VCF-style: chr21-44330813-C-T. GRCh37 (hg19) VCF-style: chr21-45750696-C-T.
Other names: c.649G>A, p.Gly217Arg (NM_001271441.2); c.639+10G>A (NM_001271440.2); c.516+10G>A (NM_001271442.1); c.649G>A (NM_001271441.1); short protein forms G217R.
Identifiers: ClinVar variation 1092050 (VCV001092050.11), dbSNP rs774917924, ClinGen allele CA10053575.

ClinVar aggregate classification (germline): Conflicting classifications of pathogenicity. Review status: criteria provided, conflicting classifications (1 of 4 stars). 3 submissions from 3 submitters: Uncertain significance (1); Likely benign (2). Last evaluated 2026-07-24.

Conditions:
CFAP410-related disorder. Also called: CFAP410-related condition.

Allele frequency attached by ClinVar (database versions not stated): gnomAD 0.00002 and 0.00003; gnomAD exomes 0.00004; TOPMed 0.00005; ExAC 0.00006.
gnomAD v4.1: 59 of 1,589,550 alleles (0.0037%); highest among the groups gnomAD compares: Admixed American, 0.007%; no homozygotes.

Submissions (3):

PreventionGenetics, part of Exact Sciences
Classification: Uncertain significance for CFAP410-related condition. Last evaluated: 2026-07-24. Review status: criteria provided, single submitter. Criteria: ACMG Guidelines, 2015. Collection method: clinical testing. Allele origin: germline.
Comment: The CFAP410 c.649G>A variant is predicted to result in the amino acid substitution p.Gly217Arg. To our knowledge, this variant has not been reported in the literature. This variant is reported in 0.0094% of alleles in individuals of Latino descent in gnomAD. At this time, the clinical significance of this variant is uncertain due to the absence of conclusive functional and genetic evidence.

Labcorp Genetics (formerly Invitae), Labcorp
Classification: Likely benign. Last evaluated: 2025-07-27. Review status: criteria provided, single submitter. Criteria: Invitae Variant Classification Sherloc (09022015). Collection method: clinical testing. Allele origin: germline.

Blueprint Genetics
Classification: Likely benign. Last evaluated: 2024-10-23. Review status: criteria provided, single submitter. Criteria: ACMG Guidelines, 2015. Collection method: clinical testing. Allele origin: germline.